The following is an entry in ClinVar:

NM_152564.5(VPS13B):c.4042+7G>T

Gene: VPS13B (vacuolar protein sorting 13 homolog B; plus strand). Cytogenetic location: 8q22.2.
Variant type: single nucleotide variant.
Coding change: c.4042+7G>T on transcript NM_152564.5 (MANE Select); 7 bases into the intron after coding-DNA position 4042, G replaced by T.
Molecular consequence: intron variant.
Genome position (GRCh38, 1-based): chr8:99,501,865, G>T. VCF-style: chr8-99501865-G-T. GRCh37 (hg19) VCF-style: chr8-100514093-G-T.
Other names: c.4042+7G>T (NM_152564.4, NM_017890.5).
Identifiers: ClinVar variation 1119801 (VCV001119801.10), dbSNP rs772651692, ClinGen allele CA4823385.

ClinVar aggregate classification (germline): Likely benign. Review status: criteria provided, multiple submitters, no conflicts (2 of 4 stars). 2 submissions from 2 submitters: Likely benign (2). Last evaluated 2025-08-19.

Conditions:
VPS13B-related disorder. Also called: VPS13B-related condition.
Cohen syndrome (COH1). Also called: Cutis verticis gyrata, retinitis pigmentosa, and sensorineural deafness; PEPPER SYNDROME. Identifiers: Orphanet 193, MedGen C0265223, MONDO:0008999, OMIM 216550.

Allele frequency attached by ClinVar (database versions not stated): gnomAD exomes 0.00001 and 0.00004; ExAC 0.00002.
gnomAD v4.1: 65 of 1,612,060 alleles (0.004%); highest among the groups gnomAD compares: Non-Finnish European, 0.0054%; no homozygotes.

Submissions (2):

Labcorp Genetics (formerly Invitae), Labcorp
Classification: Likely benign for Cohen syndrome. Last evaluated: 2025-08-19. Review status: criteria provided, single submitter. Criteria: Invitae Variant Classification Sherloc (09022015). Collection method: clinical testing. Allele origin: germline.

PreventionGenetics, part of Exact Sciences
Classification: Likely benign for VPS13B-related condition. Last evaluated: 2025-03-31. Review status: criteria provided, single submitter. Criteria: ACMG Guidelines, 2015. Collection method: clinical testing. Allele origin: germline.
Comment: This variant is classified as likely benign based on ACMG/AMP sequence variant interpretation guidelines (Richards et al. 2015 PMID: 25741868, with internal and published modifications).